The following is an entry in ClinVar:

ClinVar aggregate classification (germline): Conflicting classifications of pathogenicity. Review status: criteria provided, conflicting classifications (1 of 4 stars). 9 submissions from 9 submitters: Uncertain significance (6); Likely benign (1). 2 of the submissions do not count toward it. Last evaluated 2026-01-12.

Conditions:
DMD-related disorder. Also called: DMD-related condition.
Becker muscular dystrophy (BMD). Also called: Becker Muscular Dystrophy (BMD); MUSCULAR DYSTROPHY, PSEUDOHYPERTROPHIC PROGRESSIVE, BECKER TYPE. Identifiers: Orphanet 98895, MedGen C0917713, MONDO:0010311, OMIM 300376.
Duchenne muscular dystrophy (DMD). Also called: Duchenne Muscular Dystrophy (DMD); MUSCULAR DYSTROPHY, PSEUDOHYPERTROPHIC PROGRESSIVE, DUCHENNE TYPE. Identifiers: Orphanet 98896, MedGen C0013264, MONDO:0010679, OMIM 310200.
Dystrophin deficiency.
Cardiomyopathy (CMYO). Also called: Cardiomyopathies. Identifiers: Orphanet 167848, MedGen C0878544, MONDO:0004994, HP:0001638. Inheritance: Various modes of inheritance.
Cardiovascular phenotype. Identifiers: MedGen CN230736.
Dilated cardiomyopathy 3B (CMD3B). Also called: CMD3B: DMD-Related Dilated Cardiomyopathy; CARDIOMYOPATHY, DILATED, X-LINKED; DMD-Associated Dilated Cardiomyopathy. Identifiers: Orphanet 154, MedGen C3668940, MONDO:0010542, OMIM 302045.

Allele frequency attached by ClinVar (database versions not stated): ExAC 0.00001; gnomAD exomes 0.00001; gnomAD 0.00010 and 0.00013; TOPMed 0.00010.
gnomAD v4.1: 23 of 1,196,186 alleles (0.0019%); highest among the groups gnomAD compares: African/African-American, 0.032%; no homozygotes.

Submissions (9):

Labcorp Genetics (formerly Invitae), Labcorp
Classification: Uncertain significance for Duchenne muscular dystrophy. Last evaluated: 2026-01-12. Review status: criteria provided, single submitter. Criteria: Invitae Variant Classification Sherloc (09022015). Collection method: clinical testing. Allele origin: germline.
Comment: This sequence change falls in intron 5 of the DMD gene. It does not directly change the encoded amino acid sequence of the DMD protein. It affects a nucleotide within the consensus splice site. This variant is present in population databases (rs778431187, gnomAD 0.008%). This variant has not been reported in the literature in individuals affected with DMD-related conditions. ClinVar contains an entry for this variant (Variation ID: 576305). Variants that disrupt the consensus splice site are a relatively common cause of aberrant splicing (PMID: 17576681, 9536098). Algorithms developed to predict the effect of sequence changes on RNA splicing suggest that this variant is not likely to affect RNA splicing. In summary, the available evidence is currently insufficient to determine the role of this variant in disease. Therefore, it has been classified as a Variant of Uncertain Significance.

Ambry Genetics
Classification: Uncertain significance for Cardiovascular phenotype. Last evaluated: 2025-11-25. Review status: criteria provided, single submitter. Criteria: Ambry Variant Classification Scheme 2023. Collection method: clinical testing. Allele origin: germline.
Comment: The c.357+5G>A intronic variant results from a G to A substitution 5 nucleotides after coding exon 5 in the DMD gene. Based on data from gnomAD, the A allele has an overall frequency of 0.0005% (1/183181) total alleles studied, with 0 hemizygote(s) observed. The highest observed frequency was 0.0076% (1/13143) of African alleles. This nucleotide position is not well conserved in available vertebrate species. In silico splice site analysis predicts that this alteration will not have any significant effect on splicing. Since supporting evidence is limited at this time, the clinical significance of this alteration remains unclear.

Women's Health and Genetics/Laboratory Corporation of America, LabCorp
Classification: Uncertain significance. Last evaluated: 2023-08-19. Review status: criteria provided, single submitter. Criteria: LabCorp Variant Classification Summary - May 2015. Collection method: clinical testing. Allele origin: germline.

Fulgent Genetics
Classification: Uncertain significance for Becker muscular dystrophy; Dilated cardiomyopathy 3B; Duchenne muscular dystrophy. Last evaluated: 2022-05-11. Review status: criteria provided, single submitter. Criteria: ACMG Guidelines, 2015. Collection method: clinical testing. Allele origin: unknown.

Baylor Genetics
Classification: Uncertain significance for Becker muscular dystrophy. Last evaluated: 2020-06-01. Review status: criteria provided, single submitter. Criteria: ACMG Guidelines, 2015. Collection method: clinical testing. Allele origin: unknown. Affected: yes.
Comment: This variant was determined to be of uncertain significance according to ACMG Guidelines, 2015 [PMID:25741868].

Blueprint Genetics
Classification: Likely benign. Last evaluated: 2020-01-02. Review status: criteria provided, single submitter. Criteria: ACMG Guidelines, 2015. Collection method: clinical testing. Allele origin: germline.

Eurofins Ntd Llc (ga)
Classification: Uncertain significance. Last evaluated: 2018-04-24. Review status: criteria provided, single submitter. Criteria: EGL ClinVar v180209 classification definitions. Collection method: clinical testing. Allele origin: germline. Observed: 1 variant allele, 1 heterozygote.

PreventionGenetics, part of Exact Sciences
Classification: Likely benign for DMD-related condition. Last evaluated: 2023-07-14. Review status: no assertion criteria provided. Collection method: clinical testing. Allele origin: germline. Not counted in ClinVar's aggregate classification.
Comment: This variant is classified as likely benign based on ACMG/AMP sequence variant interpretation guidelines (Richards et al. 2015 PMID: 25741868, with internal and published modifications).

Natera, Inc.
Classification: Uncertain significance for Becker muscular dystrophy; Cardiomyopathy; Duchenne muscular dystrophy; Dystrophin deficiency. Last evaluated: 2018-05-21. Review status: no assertion criteria provided. Collection method: clinical testing. Allele origin: germline. Not counted in ClinVar's aggregate classification.

Literature cited by the submitters: PubMed 17576681 (cited by Labcorp Genetics (formerly Invitae), Labcorp); PubMed 9536098 (cited by Labcorp Genetics (formerly Invitae), Labcorp).

NM_004006.3(DMD):c.357+5G>A

Gene: DMD (dystrophin; minus strand). Cytogenetic location: Xp21.1.
Variant type: single nucleotide variant.
Coding change: c.357+5G>A on transcript NM_004006.3 (MANE Select); 5 bases into the intron after coding-DNA position 357, G replaced by A.
Molecular consequence: intron variant.
Genome position (GRCh38, 1-based): chrX:32,823,290, C>T on the plus strand (G>A on the coding strand, the complement: DMD is on the minus strand). VCF-style: chrX-32823290-C-T. GRCh37 (hg19) VCF-style: chrX-32841407-C-T.
Other names: c.333+5G>A (NM_000109.4); c.345+5G>A (NM_004009.3); c.-13+5G>A (NM_004010.3).
Identifiers: ClinVar variation 576305 (VCV000576305.20), dbSNP rs778431187, ClinGen allele CA10380186.